The following is an entry in ClinVar:

NM_016263.4(FZR1):c.818G>A (p.Arg273His)

Gene: FZR1 (fizzy and cell division cycle 20 related 1; plus strand). Cytogenetic location: 19p13.3.
Variant type: single nucleotide variant.
Coding change: c.818G>A on transcript NM_016263.4 (MANE Select); coding-DNA position 818, G replaced by A.
Protein change: p.Arg273His; replaces arginine 273 with histidine.
Molecular consequence: missense variant.
Genome position (GRCh38, 1-based): chr19:3,531,811, G>A. VCF-style: chr19-3531811-G-A. GRCh37 (hg19) VCF-style: chr19-3531809-G-A.
Other names: c.551G>A, p.Arg184His (NM_001136197.1); c.818G>A, p.Arg273His (NM_001136198.1); short protein forms R184H, R273H.
Identifiers: ClinVar variation 4531716 (VCV004531716.1).

ClinVar aggregate classification (germline): Uncertain significance (1 of 4 stars; one submission).

Conditions:
Developmental and epileptic encephalopathy 109 (DEE109). Identifiers: MedGen C5774263, MONDO:0859325, OMIM 620145.

Submission:

Victorian Clinical Genetics Services, Murdoch Childrens Research Institute
Classification: Uncertain significance for Developmental and epileptic encephalopathy 109. Last evaluated: 2025-08-24. Review status: criteria provided, single submitter. Criteria: ACMG Guidelines, 2015. Collection method: clinical testing. Allele origin: germline. Affected: yes.
Comment: This variant is classified as VUS-3A. Evidence in support of pathogenic classification: Variant is absent from gnomAD (v2, v3 and v4); Additional information: Variant is predicted to result in a missense amino acid change from Arg to His; This variant is heterozygous; This gene is associated with autosomal dominant disease; Alternative amino acid change(s) at the same position are present in gnomAD (v4: 1 heterozygote(s), 0 homozygote(s)); This variant has no previous evidence of pathogenicity; No published evidence of segregation with disease has been identified for this variant; No published functional evidence has been identified for this variant; No comparable missense variants have previous evidence for pathogenicity; Variant is located in the annotated CDC20/Fizzy WD40 domain (DECIPHER); Missense variant with inconclusive in silico prediction and uninformative conservation; Loss of function is a known mechanism of disease in this gene and is associated with developmental and epileptic encephalopathy 109 (MIM#620145)